The following is an entry in ClinVar:

NM_005529.7(HSPG2):c.7150C>T (p.Arg2384Trp)

Gene: HSPG2 (heparan sulfate proteoglycan 2; minus strand). Cytogenetic location: 1p36.12.
Variant type: single nucleotide variant.
Coding change: c.7150C>T on transcript NM_005529.7 (MANE Select); coding-DNA position 7150, C replaced by T.
Protein change: p.Arg2384Trp; replaces arginine 2384 with tryptophan.
Molecular consequence: missense variant.
Genome position (GRCh38, 1-based): chr1:21,851,554, G>A on the plus strand (C>T on the coding strand, the complement: HSPG2 is on the minus strand). VCF-style: chr1-21851554-G-A. GRCh37 (hg19) VCF-style: chr1-22178047-G-A.
Other names: c.7150C>T (NM_005529.5, NM_005529.6); c.7153C>T, p.Arg2385Trp (NM_001291860.2); short protein forms R2384W, R2385W.
Identifiers: ClinVar variation 1372211 (VCV001372211.11), dbSNP rs372112548, ClinGen allele CA671304.
Genomic context (GRCh38, chr1:21,851,554, plus strand): 5'-CACCCAGGGACCCGCTTCCTCTTCTTGGCCTGTCTGTCCTCCAGTCCCATACCTGGTGCC[G>A]GACAGGGAGGCTGCCCCCACGCTTGTGCCACGTGACCTGGGCATGGGACTGCCCGGGCAC-3'
Protein context (NP_005520.4, residues 2374-2394): WHKRGGSLPV[Arg2384Trp]HQTHGSLLRL

ClinVar aggregate classification (germline): Uncertain significance. Review status: criteria provided, multiple submitters, no conflicts (2 of 4 stars). 5 submissions from 5 submitters: Uncertain significance (5). Last evaluated 2024-06-06.

Conditions:
Inborn genetic diseases. Identifiers: MedGen C0950123, MeSH D030342.

Allele frequency attached by ClinVar (database versions not stated): gnomAD exomes 0.00002 and 0.00008; ESP Exome Variant Server 0.00008; gnomAD 0.00008 and 0.00009; ExAC 0.00010; TOPMed 0.00011.
gnomAD v4.1: 55 of 1,613,804 alleles (0.0034%); highest among the groups gnomAD compares: East Asian, 0.036%; no homozygotes.

Submissions (5):

Blueprint Genetics
Classification: Uncertain significance. Last evaluated: 2024-06-06. Review status: criteria provided, single submitter. Criteria: ACMG Guidelines, 2015. Collection method: clinical testing. Allele origin: germline.

Labcorp Genetics (formerly Invitae), Labcorp
Classification: Uncertain significance. Last evaluated: 2023-12-27. Review status: criteria provided, single submitter. Criteria: Invitae Variant Classification Sherloc (09022015). Collection method: clinical testing. Allele origin: germline.
Comment: This sequence change replaces arginine, which is basic and polar, with tryptophan, which is neutral and slightly polar, at codon 2384 of the HSPG2 protein (p.Arg2384Trp). This variant is present in population databases (rs372112548, gnomAD 0.06%). This variant has not been reported in the literature in individuals affected with HSPG2-related conditions. ClinVar contains an entry for this variant (Variation ID: 1372211). An algorithm developed to predict the effect of missense changes on protein structure and function (PolyPhen-2) suggests that this variant is likely to be disruptive. In summary, the available evidence is currently insufficient to determine the role of this variant in disease. Therefore, it has been classified as a Variant of Uncertain Significance.

Athena Diagnostics
Classification: Uncertain significance. Last evaluated: 2023-10-16. Review status: criteria provided, single submitter. Criteria: Athena Diagnostics Criteria. Collection method: clinical testing. Allele origin: unknown.
Comment: Available data are insufficient to determine the clinical significance of the variant at this time. The frequency of this variant in the general population is uninformative in assessment of its pathogenicity. Computational tools disagree on the variant's effect on normal protein function.

Ambry Genetics
Classification: Uncertain significance for Inborn genetic diseases. Last evaluated: 2021-05-04. Review status: criteria provided, single submitter. Criteria: Ambry Variant Classification Scheme 2023. Collection method: clinical testing. Allele origin: germline.

Revvity Omics, Revvity
Classification: Uncertain significance. Last evaluated: 2020-02-26. Review status: criteria provided, single submitter. Criteria: ACMG Guidelines, 2015. Collection method: clinical testing. Allele origin: germline.